The following is an entry in ClinVar:

ClinVar aggregate classification (germline): Uncertain significance (0 of 4 stars; one submission).

Conditions:
POGZ-related disorder. Also called: POGZ-related condition.

Allele frequency attached by ClinVar (database versions not stated): gnomAD exomes below 0.00001; ExAC 0.00001.

Submission:

PreventionGenetics, part of Exact Sciences
Classification: Uncertain significance for POGZ-related condition. Last evaluated: 2023-12-05. Review status: no assertion criteria provided. Collection method: clinical testing. Allele origin: germline.
Comment: The POGZ c.2411C>T variant is predicted to result in the amino acid substitution p.Ala804Val. To our knowledge, this variant has not been reported in the literature. This variant is reported in 0.0062% of alleles in individuals of African descent in gnomAD. At this time, the clinical significance of this variant is uncertain due to the absence of conclusive functional and genetic evidence.

NM_015100.4(POGZ):c.2411C>T (p.Ala804Val)

Gene: POGZ (pogo transposable element derived with ZNF domain; minus strand). Cytogenetic location: 1q21.3.
Variant type: single nucleotide variant.
Coding change: c.2411C>T on transcript NM_015100.4 (MANE Select); coding-DNA position 2411, C replaced by T.
Protein change: p.Ala804Val; replaces alanine 804 with valine.
Molecular consequence: missense variant.
Genome position (GRCh38, 1-based): chr1:151,407,256, G>A on the plus strand (C>T on the coding strand, the complement: POGZ is on the minus strand). VCF-style: chr1-151407256-G-A. GRCh37 (hg19) VCF-style: chr1-151379732-G-A.
Other names: c.2384C>T, p.Ala795Val (NM_001194937.2); c.2225C>T, p.Ala742Val (NM_001194938.2); c.2432C>T, p.Ala811Val (NM_001410860.1); c.2126C>T, p.Ala709Val (NM_145796.4); c.2252C>T, p.Ala751Val (NM_207171.2); short protein forms A709V, A742V, A751V, A795V, A804V, A811V.
Identifiers: ClinVar variation 2631444 (VCV002631444.3), dbSNP rs774466605, ClinGen allele CA1091180.